The following is an entry in ClinVar:

NM_001350451.2(RBFOX3):c.278C>G (p.Thr93Arg)

Gene: RBFOX3 (RNA binding fox-1 homolog 3; minus strand). Cytogenetic location: 17q25.3.
Variant type: single nucleotide variant.
Coding change: c.278C>G on transcript NM_001350451.2 (MANE Select); coding-DNA position 278, C replaced by G.
Protein change: p.Thr93Arg; replaces threonine 93 with arginine.
Molecular consequence: missense variant.
Genome position (GRCh38, 1-based): chr17:79,106,733, G>C on the plus strand (C>G on the coding strand, the complement: RBFOX3 is on the minus strand). VCF-style: chr17-79106733-G-C. GRCh37 (hg19) VCF-style: chr17-77102815-G-C.
Other names: c.278C>G (NM_001082575.1); c.278C>G, p.Thr93Arg (NM_001082575.3, NM_001350453.2, NM_001385804.1 and 36 more transcripts); c.275C>G, p.Thr92Arg (NM_001385806.1, NM_001385822.1, NM_001385823.1 and 4 more transcripts); short protein forms T93R, T92R.
Identifiers: ClinVar variation 1473541 (VCV001473541.9), dbSNP rs1339077239, ClinGen allele CA401317691.

ClinVar aggregate classification (germline): Uncertain significance. Review status: criteria provided, multiple submitters, no conflicts (2 of 4 stars). 2 submissions from 2 submitters: Uncertain significance (2). Last evaluated 2025-10-02.

Conditions:
Idiopathic generalized epilepsy. Also called: EIG; Generalised epilepsy. Identifiers: MedGen C0270850, MONDO:0005579, OMIM 600669.

Allele frequency attached by ClinVar (database versions not stated): gnomAD 0.00001; TOPMed 0.00003.
gnomAD v4.1: 2 of 1,514,926 alleles (0.00013%); highest among the groups gnomAD compares: African/African-American, 0.0014%; no homozygotes.

Submissions (2):

Ambry Genetics
Classification: Uncertain significance. Last evaluated: 2025-10-02. Review status: criteria provided, single submitter. Criteria: Ambry Variant Classification Scheme 2023. Collection method: clinical testing. Allele origin: germline.

Labcorp Genetics (formerly Invitae), Labcorp
Classification: Uncertain significance for Idiopathic generalized epilepsy. Last evaluated: 2021-03-12. Review status: criteria provided, single submitter. Criteria: Invitae Variant Classification Sherloc (09022015). Collection method: clinical testing. Allele origin: germline.
Comment: In summary, the available evidence is currently insufficient to determine the role of this variant in disease. Therefore, it has been classified as a Variant of Uncertain Significance. Algorithms developed to predict the effect of sequence changes on RNA splicing suggest that this variant may create or strengthen a splice site, but this prediction has not been confirmed by published transcriptional studies. Algorithms developed to predict the effect of missense changes on protein structure and function are either unavailable or do not agree on the potential impact of this missense change (SIFT: "Deleterious"; PolyPhen-2: "Benign"; Align-GVGD: "Class C15"). This variant has not been reported in the literature in individuals with RBFOX3-related conditions. This variant is not present in population databases (ExAC no frequency). This sequence change replaces threonine with arginine at codon 93 of the RBFOX3 protein (p.Thr93Arg). The threonine residue is highly conserved and there is a moderate physicochemical difference between threonine and arginine.